The following is an entry in ClinVar:

NM_016335.6(PRODH):c.41T>C (p.Ile14Thr)

Gene: PRODH (proline dehydrogenase 1; minus strand). Cytogenetic location: 22q11.21.
Variant type: single nucleotide variant.
Coding change: c.41T>C on transcript NM_016335.6 (MANE Select); coding-DNA position 41, T replaced by C.
Protein change: p.Ile14Thr; replaces isoleucine 14 with threonine.
Molecular consequence: missense variant. On other transcripts: 5 prime UTR variant (1), intron variant (1).
Genome position (GRCh38, 1-based): chr22:18,936,247, A>G on the plus strand (T>C on the coding strand, the complement: PRODH is on the minus strand). VCF-style: chr22-18936247-A-G. GRCh37 (hg19) VCF-style: chr22-18923760-A-G.
Other names: c.-129T>C (NM_001368250.2); c.-52+143T>C (NM_001195226.2); short protein forms I14T.
Identifiers: ClinVar variation 1714098 (VCV001714098.3), dbSNP rs2146224480, ClinGen allele CA410654499.
Genomic context (GRCh38, chr22:18,936,247, plus strand): 5'-GGGCCCGCTGCGGGCTGCTCGCGGGAGGCCGGCGCCGTGGACAGCGGGACGAAGCGGGGA[A>G]TGCAGGGGCGCAGCGCGGGCAGGGCGCGCCTCAGAGCCATGGCGGGACGGCGGTACCCGC-3'
Protein context (NP_057419.5, residues 4-24): RRALPALRPC[Ile14Thr]PRFVPLSTAP

ClinVar aggregate classification (germline): Uncertain significance (1 of 4 stars; one submission).

Conditions:
Proline dehydrogenase deficiency (HYRPRO1). Also called: Hyperprolinemia type 1; PROLINE OXIDASE DEFICIENCY. Identifiers: Orphanet 419, MedGen C0268529, MONDO:0009400, OMIM 239500.

Submission:

Labcorp Genetics (formerly Invitae), Labcorp
Classification: Uncertain significance for Proline dehydrogenase deficiency. Last evaluated: 2022-09-23. Review status: criteria provided, single submitter. Criteria: Invitae Variant Classification Sherloc (09022015). Collection method: clinical testing. Allele origin: germline.
Comment: This sequence change replaces isoleucine, which is neutral and non-polar, with threonine, which is neutral and polar, at codon 14 of the PRODH protein (p.Ile14Thr). This variant is not present in population databases (gnomAD no frequency). This variant has not been reported in the literature in individuals affected with PRODH-related conditions. Algorithms developed to predict the effect of missense changes on protein structure and function output the following: SIFT: "Tolerated"; PolyPhen-2: "Benign"; Align-GVGD: "Class C0". The threonine amino acid residue is found in multiple mammalian species, which suggests that this missense change does not adversely affect protein function. In summary, the available evidence is currently insufficient to determine the role of this variant in disease. Therefore, it has been classified as a Variant of Uncertain Significance.